The following is an entry in ClinVar:

NM_001162501.2(TNRC6B):c.203A>T (p.Asn68Ile)

Gene: TNRC6B (trinucleotide repeat containing adaptor 6B; plus strand). Cytogenetic location: 22q13.1.
Variant type: single nucleotide variant.
Coding change: c.203A>T on transcript NM_001162501.2 (MANE Select); coding-DNA position 203, A replaced by T.
Protein change: p.Asn68Ile; replaces asparagine 68 with isoleucine.
Molecular consequence: missense variant.
Genome position (GRCh38, 1-based): chr22:40,261,919, A>T. VCF-style: chr22-40261919-A-T. GRCh37 (hg19) VCF-style: chr22-40657923-A-T.
Other names: c.311A>T, p.Asn104Ile (NM_001024843.2); c.203A>T, p.Asn68Ile (NM_015088.3); short protein forms N104I, N68I.
Identifiers: ClinVar variation 2120936 (VCV002120936.4), dbSNP rs373450317, ClinGen allele CA411626172.

ClinVar aggregate classification (germline): Uncertain significance (1 of 4 stars; one submission).

Submission:

Labcorp Genetics (formerly Invitae), Labcorp
Classification: Uncertain significance. Last evaluated: 2022-04-03. Review status: criteria provided, single submitter. Criteria: Invitae Variant Classification Sherloc (09022015). Collection method: clinical testing. Allele origin: germline.
Comment: This sequence change replaces asparagine, which is neutral and polar, with isoleucine, which is neutral and non-polar, at codon 68 of the TNRC6B protein (p.Asn68Ile). This variant is not present in population databases (gnomAD no frequency). This variant has not been reported in the literature in individuals affected with TNRC6B-related conditions. Algorithms developed to predict the effect of missense changes on protein structure and function are either unavailable or do not agree on the potential impact of this missense change (SIFT: "Deleterious"; PolyPhen-2: "Probably Damaging"; Align-GVGD: "Class C15"). In summary, the available evidence is currently insufficient to determine the role of this variant in disease. Therefore, it has been classified as a Variant of Uncertain Significance.